The following is an entry in ClinVar:

ClinVar aggregate classification (germline): Uncertain significance. Review status: criteria provided, multiple submitters, no conflicts (2 of 4 stars). 5 submissions from 5 submitters: Uncertain significance (5). Last evaluated 2024-07-02.

Conditions:
Hereditary cancer-predisposing syndrome. Also called: Neoplastic Syndromes, Hereditary; Hereditary Cancer Syndrome; Hereditary neoplastic syndrome; Tumor predisposition. Identifiers: Orphanet 140162, MedGen C0027672, MeSH D009386, MONDO:0015356.
Peutz-Jeghers syndrome (PJS). Also called: Peutz-Jeghers polyposis; Periorificial lentiginosis syndrome; POLYPOSIS, HAMARTOMATOUS INTESTINAL; POLYPS-AND-SPOTS SYNDROME. Identifiers: Orphanet 2869, MedGen C0031269, MeSH D010580, MONDO:0008280, OMIM 175200.

Allele frequency attached by ClinVar (database versions not stated): gnomAD exomes below 0.00001.
gnomAD v4.1: 2 of 1,607,022 alleles (0.00012%); highest among the groups gnomAD compares: Non-Finnish European, 0.00017%; no homozygotes.

Submissions (5):

Labcorp Genetics (formerly Invitae), Labcorp
Classification: Uncertain significance for Peutz-Jeghers syndrome. Last evaluated: 2024-07-02. Review status: criteria provided, single submitter. Criteria: Invitae Variant Classification Sherloc (09022015). Collection method: clinical testing. Allele origin: germline.
Comment: This sequence change replaces proline, which is neutral and non-polar, with leucine, which is neutral and non-polar, at codon 217 of the STK11 protein (p.Pro217Leu). This variant is not present in population databases (gnomAD no frequency). This variant has not been reported in the literature in individuals affected with STK11-related conditions. ClinVar contains an entry for this variant (Variation ID: 141965). Advanced modeling of protein sequence and biophysical properties (such as structural, functional, and spatial information, amino acid conservation, physicochemical variation, residue mobility, and thermodynamic stability) performed at Invitae indicates that this missense variant is expected to disrupt STK11 protein function with a positive predictive value of 95%. In summary, the available evidence is currently insufficient to determine the role of this variant in disease. Therefore, it has been classified as a Variant of Uncertain Significance.

Ambry Genetics
Classification: Uncertain significance for Hereditary cancer-predisposing syndrome. Last evaluated: 2024-05-10. Review status: criteria provided, single submitter. Criteria: Ambry Variant Classification Scheme 2023. Collection method: clinical testing. Allele origin: germline.
Comment: The p.P217L variant (also known as c.650C>T) located in coding exon 5 of the STK11 gene. This variant results from a C to T substitution at nucleotide position 650. The proline at codon 217 is replaced by leucine, an amino acid with similar properties. This amino acid position is highly conserved in available vertebrate species. In addition, this alteration is predicted to be deleterious by in silico analysis. Based on the available evidence, the clinical significance of this variant remains unclear.

All of Us Research Program, National Institutes of Health
Classification: Uncertain significance for Peutz-Jeghers syndrome. Last evaluated: 2023-11-30. Review status: criteria provided, single submitter. Criteria: ACMG Guidelines, 2015. Collection method: clinical testing. Allele origin: germline. Inheritance: Autosomal dominant inheritance. Observed: 2 variant alleles, 2 heterozygotes.
Comment: This study involves interpretation of variants in research participants for the purpose of population health screening. Participant phenotype was not available at the time of variant classification. Additional details can be found in publication PMID: 35346344, PMCID: PMC8962531

Genome-Nilou Lab
Classification: Uncertain significance for Peutz-Jeghers syndrome. Last evaluated: 2021-07-15. Review status: criteria provided, single submitter. Criteria: ACMG Guidelines, 2015. Collection method: clinical testing. Allele origin: germline. Affected: no.

Color Diagnostics, LLC DBA Color Health
Classification: Uncertain significance for Hereditary cancer-predisposing syndrome. Last evaluated: 2018-11-11. Review status: criteria provided, single submitter. Criteria: ACMG Guidelines, 2015. Collection method: clinical testing. Allele origin: germline.

NM_000455.5(STK11):c.650C>T (p.Pro217Leu)

Gene: STK11 (serine/threonine kinase 11; plus strand). Cytogenetic location: 19p13.3.
Variant type: single nucleotide variant.
Coding change: c.650C>T on transcript NM_000455.5 (MANE Select); coding-DNA position 650, C replaced by T.
Protein change: p.Pro217Leu; replaces proline 217 with leucine.
Molecular consequence: missense variant.
Genome position (GRCh38, 1-based): chr19:1,220,633, C>T. VCF-style: chr19-1220633-C-T. GRCh37 (hg19) VCF-style: chr19-1220632-C-T.
Other names: short protein forms P217L.
Identifiers: ClinVar variation 141965 (VCV000141965.22), dbSNP rs587782146, ClinGen allele CA023199.